The following is an entry in ClinVar:

ClinVar aggregate classification (germline): Uncertain significance (1 of 4 stars; one submission).

Submission:

GeneDx
Classification: Uncertain significance. Last evaluated: 2015-04-17. Review status: criteria provided, single submitter. Criteria: GeneDx Variant Classification (06012015). Collection method: clinical testing. Allele origin: germline. Affected: yes.
Comment: This variant is denoted BMPR1A c.616C>G at the cDNA level, p.Leu206Val (L206V) at the protein level, and results in the change of a Leucine to a Valine (CTA>GTA). This variant has not, to our knowledge, been published in the literature as pathogenic or benign. BMPR1A Leu206Val was not observed in approximately 6,500 individuals of European and African American ancestry in the NHLBI Exome Sequencing Project, indicating it is not a common benign variant in these populations. Since Leucine and Valine share similar properties, this is considered a conservative amino acid substitution. BMPR1A Leu206Val occurs at a position that is conserved across species and is located in the GS and MH1 domain (UniProt, Howe 2004). In silico analyses predict that this variant is probably damaging to protein structure and function. Based on currently available information, it is unclear whether BMPR1A Leu206Val is pathogenic or benign. We consider it to be a variant of uncertain significance.

NM_004329.3(BMPR1A):c.616C>G (p.Leu206Val)

Gene: BMPR1A (bone morphogenetic protein receptor type 1A; plus strand). Cytogenetic location: 10q23.2.
Variant type: single nucleotide variant.
Coding change: c.616C>G on transcript NM_004329.3 (MANE Select); coding-DNA position 616, C replaced by G.
Protein change: p.Leu206Val; replaces leucine 206 with valine.
Molecular consequence: missense variant.
Genome position (GRCh38, 1-based): chr10:86,912,325, C>G. VCF-style: chr10-86912325-C-G. GRCh37 (hg19) VCF-style: chr10-88672082-C-G.
Other names: short protein forms L206V.
Identifiers: ClinVar variation 418903 (VCV000418903.2), dbSNP rs1064793512, ClinGen allele CA16619002.